The following is an entry in ClinVar:

ClinVar aggregate classification (germline): Uncertain significance (1 of 4 stars; one submission).

Conditions:
Hereditary cancer-predisposing syndrome. Also called: Hereditary neoplastic syndrome; Neoplastic Syndromes, Hereditary; Tumor predisposition; Hereditary Cancer Syndrome. Identifiers: Orphanet 140162, MedGen C0027672, MeSH D009386, MONDO:0015356.

Submission:

Ambry Genetics
Classification: Uncertain significance for Hereditary cancer-predisposing syndrome. Last evaluated: 2025-08-27. Review status: criteria provided, single submitter. Criteria: Ambry Variant Classification Scheme 2023. Collection method: clinical testing. Allele origin: germline.
Comment: The p.K192M variant (also known as c.575A>T), located in coding exon 7 of the MUTYH gene, results from an A to T substitution at nucleotide position 575. The lysine at codon 192 is replaced by methionine, an amino acid with similar properties. This amino acid position is conserved. In addition, the in silico prediction for this alteration is inconclusive. Based on the available evidence, the clinical significance of this variant remains unclear.

NM_001048174.2(MUTYH):c.491A>T (p.Lys164Met)

Gene: MUTYH (mutY DNA glycosylase; minus strand). Cytogenetic location: 1p34.1.
Variant type: single nucleotide variant.
Coding change: c.491A>T on transcript NM_001048174.2 (MANE Select); coding-DNA position 491, A replaced by T.
Protein change: p.Lys164Met; replaces lysine 164 with methionine.
Molecular consequence: missense variant. On other transcripts: non-coding transcript variant (7).
Genome position (GRCh38, 1-based): chr1:45,332,764, T>A on the plus strand (A>T on the coding strand, the complement: MUTYH is on the minus strand). VCF-style: chr1-45332764-T-A. GRCh37 (hg19) VCF-style: chr1-45798436-T-A.
Other names: c.215A>T, p.Lys72Met (NM_001293196.2, NM_001407091.1, NM_001293192.2); c.146A>T, p.Lys49Met (NM_001350650.2, NM_001350651.2, NM_001407082.1); c.524A>T, p.Lys175Met (NM_001407069.1, NM_001293191.2, NM_001407077.1); c.491A>T, p.Lys164Met (NM_001407070.1, NM_001407072.1, NM_001407073.1 and 6 more transcripts); c.494A>T, p.Lys165Met (NM_001407071.1, NM_001048172.2, NM_001407078.1 and 1 more transcripts); c.407A>T, p.Lys136Met (NM_001407075.1); c.566A>T, p.Lys189Met (NM_012222.3); c.575A>T, p.Lys192Met (NM_001128425.2); and 5 more; short protein forms K164M, K189M, K72M, K150M, K171M, K179M, K192M, K136M.
Identifiers: ClinVar variation 4113737 (VCV004113737.1).